The following is an entry in ClinVar:

NM_001194998.2(CEP152):c.2019-13G>A

Gene: CEP152 (centrosomal protein 152; minus strand). Cytogenetic location: 15q21.1.
Variant type: single nucleotide variant.
Coding change: c.2019-13G>A on transcript NM_001194998.2 (MANE Select); 13 bases into the intron before coding-DNA position 2019, G replaced by A.
Molecular consequence: intron variant.
Genome position (GRCh38, 1-based): chr15:48,767,476, C>T on the plus strand (G>A on the coding strand, the complement: CEP152 is on the minus strand). VCF-style: chr15-48767476-C-T. GRCh37 (hg19) VCF-style: chr15-49059673-C-T.
Other names: c.2019-13G>A (NM_014985.4).
Identifiers: ClinVar variation 136721 (VCV000136721.18), dbSNP rs9302144, ClinGen allele CA171709.
Genomic context (GRCh38, chr15:48,767,476, plus strand): 5'-ATTTGAGTTTTCATGGCTTCATGGTGCTGCTGATAAGTCCTTTCACACCTGGAAACAGAG[C>T]GGAATCAAAGGCAATGCCCAGTCTCACTACGAACACCAAAATGAATTGGTTTCCTTCCTT-3'

ClinVar aggregate classification (germline): Benign. Review status: criteria provided, multiple submitters, no conflicts (2 of 4 stars). 7 submissions from 6 submitters: Benign (7). Last evaluated 2026-02-04.

Conditions:
Microcephaly 9, primary, autosomal recessive. Identifiers: Orphanet 2512, MedGen C3553886, MONDO:0013923, OMIM 614852.
Seckel syndrome 5 (SCKL5). Identifiers: Orphanet 808, MedGen C3151187, MONDO:0013443, OMIM 613823.

Allele frequency attached by ClinVar (database versions not stated): ExAC 0.03244; gnomAD exomes 0.03309; ESP Exome Variant Server 0.04461; gnomAD 0.05016; TOPMed 0.06261; 1000 Genomes Project 0.08287; 1000 Genomes Project 30x 0.08417.
gnomAD v4.1: 24,946 of 1,613,916 alleles (1.5%); highest among the groups gnomAD compares: African/African-American, 15%; 1,443 homozygotes.

Submissions (7):

Labcorp Genetics (formerly Invitae), Labcorp
Classification: Benign. Last evaluated: 2026-02-04. Review status: criteria provided, single submitter. Criteria: Invitae Variant Classification Sherloc (09022015). Collection method: clinical testing. Allele origin: germline.

Illumina Laboratory Services, Illumina
Classification: Benign for Microcephaly 9, primary, autosomal recessive. Last evaluated: 2018-01-13. Review status: criteria provided, single submitter. Criteria: ICSL Variant Classification Criteria 13 December 2019. Collection method: clinical testing. Allele origin: germline.
Comment: This variant was observed in the ICSL laboratory as part of a predisposition screen in an ostensibly healthy population. It had not been previously curated by ICSL or reported in the Human Gene Mutation Database (HGMD: prior to June 1st, 2018), and was therefore a candidate for classification through an automated scoring system. Utilizing variant allele frequency, disease prevalence and penetrance estimates, and inheritance mode, an automated score was calculated to assess if this variant is too frequent to cause the disease. Based on the score and internal cut-off values, a variant classified as benign is not then subjected to further curation. The score for this variant resulted in a classification of benign for this disease.

Illumina Laboratory Services, Illumina
Classification: Benign for Seckel syndrome 5. Last evaluated: 2018-01-13. Review status: criteria provided, single submitter. Criteria: ICSL Variant Classification Criteria 13 December 2019. Collection method: clinical testing. Allele origin: germline.
Comment: the same text as in the submission from Illumina Laboratory Services, Illumina above.

GeneDx
Classification: Benign. Last evaluated: 2013-12-17. Review status: criteria provided, single submitter. Criteria: GeneDx Variant Classification (06012015). Collection method: clinical testing. Allele origin: germline. Affected: yes.
Comment: This variant is considered likely benign or benign based on one or more of the following criteria: it is a conservative change, it occurs at a poorly conserved position in the protein, it is predicted to be benign by multiple in silico algorithms, and/or has population frequency not consistent with disease.

Genetic Services Laboratory, University of Chicago
Classification: Benign. Last evaluated: 2013-02-08. Review status: criteria provided, single submitter. Criteria: ACMG Guidelines, 2007. Collection method: clinical testing. Allele origin: germline. Inheritance: Autosomal recessive inheritance.

Breakthrough Genomics
Classification: Benign. Review status: criteria provided, single submitter. Criteria: ACMG Guidelines, 2015. Collection method: not provided. Allele origin: germline. Inheritance: Autosomal recessive inheritance. Affected: yes.

PreventionGenetics, part of Exact Sciences
Classification: Benign. Review status: criteria provided, single submitter. Criteria: ACMG Guidelines, 2015. Collection method: clinical testing. Allele origin: germline.